The following is an entry in ClinVar:

NM_000492.4(CFTR):c.1541A>C (p.Glu514Ala)

Genes: CFTR (CF transmembrane conductance regulator; plus strand), CFTR-AS1 (CFTR antisense RNA 1; minus strand). Cytogenetic location: 7q31.2.
Variant type: single nucleotide variant.
Coding change: c.1541A>C on transcript NM_000492.4 (MANE Select); coding-DNA position 1541, A replaced by C.
Protein change: p.Glu514Ala; replaces glutamic acid 514 with alanine.
Molecular consequence: missense variant.
Genome position (GRCh38, 1-based): chr7:117,559,612, A>C. VCF-style: chr7-117559612-A-C. GRCh37 (hg19) VCF-style: chr7-117199666-A-C.
Other names: short protein forms E514A.
Identifiers: ClinVar variation 1774854 (VCV001774854.3), dbSNP rs1174624989, ClinGen allele CA368984813.

ClinVar aggregate classification (germline): Uncertain significance (1 of 4 stars; one submission).

Conditions:
Cystic fibrosis (CF). Also called: MUCOVISCIDOSIS. Identifiers: Orphanet 586, MedGen C0010674, MONDO:0009061, OMIM 219700. Disease mechanism: loss of function.

Allele frequency attached by ClinVar (database versions not stated): TOPMed below 0.00001; gnomAD 0.00001.
gnomAD v4.1: 2 of 1,613,342 alleles (0.00012%); highest among the groups gnomAD compares: African/African-American, 0.0027%; no homozygotes.

Submission:

Ambry Genetics
Classification: Uncertain significance for Cystic fibrosis. Last evaluated: 2025-10-08. Review status: criteria provided, single submitter. Criteria: Ambry Variant Classification Scheme 2023. Collection method: clinical testing. Allele origin: germline.
Comment: The p.E514A variant (also known as c.1541A>C), located in coding exon 11 of the CFTR gene, results from an A to C substitution at nucleotide position 1541. The glutamic acid at codon 514 is replaced by alanine, an amino acid with dissimilar properties. This amino acid position is conserved. In addition, this alteration is predicted to be deleterious by in silico analysis. Since supporting evidence is limited at this time, the clinical significance of this alteration remains unclear.